The following is an entry in ClinVar:

NM_144670.6(A2ML1):c.143G>C (p.Ser48Thr)

Genes: A2ML1 (alpha-2-macroglobulin like 1; plus strand), A2ML1-AS1 (A2ML1 antisense RNA 1; minus strand). Cytogenetic location: 12p13.31.
Variant type: single nucleotide variant.
Coding change: c.143G>C on transcript NM_144670.6 (MANE Select); coding-DNA position 143, G replaced by C.
Protein change: p.Ser48Thr; replaces serine 48 with threonine.
Molecular consequence: missense variant.
Genome position (GRCh38, 1-based): chr12:8,823,262, G>C. VCF-style: chr12-8823262-G-C. GRCh37 (hg19) VCF-style: chr12-8975858-G-C.
Other names: short protein forms S48T.
Identifiers: ClinVar variation 2905191 (VCV002905191.3), dbSNP rs1295974752, ClinGen allele CA383817953.

ClinVar aggregate classification (germline): Uncertain significance (1 of 4 stars; one submission).

gnomAD v4.1: 4 of 1,614,130 alleles (0.00025%); highest among the groups gnomAD compares: Non-Finnish European, 0.00034%; no homozygotes.

Submission:

Labcorp Genetics (formerly Invitae), Labcorp
Classification: Uncertain significance. Last evaluated: 2023-04-19. Review status: criteria provided, single submitter. Criteria: Invitae Variant Classification Sherloc (09022015). Collection method: clinical testing. Allele origin: germline.
Comment: In summary, the available evidence is currently insufficient to determine the role of this variant in disease. Therefore, it has been classified as a Variant of Uncertain Significance. An algorithm developed to predict the effect of missense changes on protein structure and function (PolyPhen-2) suggests that this variant is likely to be tolerated. This variant has not been reported in the literature in individuals affected with A2ML1-related conditions. This variant is not present in population databases (gnomAD no frequency). This sequence change replaces serine, which is neutral and polar, with threonine, which is neutral and polar, at codon 48 of the A2ML1 protein (p.Ser48Thr).